The following is an entry in ClinVar:

NC_012920.1(MT-TL1):m.3271T>C

Gene: MT-TL1 (mitochondrially encoded tRNA leucine 1 (UUA/G); plus strand).
Variant type: single nucleotide variant.
Genome position: chrM-3271-T-C.
Other names: 3271T-C.
Identifiers: ClinVar variation 9590 (VCV000009590.20), dbSNP rs199474658, ClinGen allele CA254839.

ClinVar aggregate classification (germline): Pathogenic. Review status: reviewed by expert panel (3 of 4 stars). 8 submissions from 8 submitters: Pathogenic (1). 7 of the submissions do not count toward it. Last evaluated 2023-04-25.

Conditions:
Primary Mitochondrial Disorders. Identifiers: MedGen CN381104.
MERRF syndrome (MERRF). Also called: Myoclonus with epilepsy with ragged red fibers; Myoencephalopathy ragged-red fiber disease; MYOCLONIC EPILEPSY ASSOCIATED WITH RAGGED-RED FIBERS. Identifiers: Orphanet 551, MedGen C0162672, MONDO:0010790, OMIM 545000.
MELAS syndrome (MELAS). Also called: Juvenile myopathy, encephalopathy, lactic acidosis, stroke. Identifiers: Orphanet 550, MedGen C0162671, MONDO:0010789, OMIM 540000.
Mitochondrial disease. Also called: Mitochondrial disorder; Mitochondrial disorders. Identifiers: Orphanet 68380, MedGen C0751651, MeSH D028361, MONDO:0044970.

Submissions (8):

ClinGen Mitochondrial Disease Nuclear and Mitochondrial  Variant Curation Expert Panel, ClinGen
Classification: Pathogenic for Mitochondrial disease. Last evaluated: 2023-04-25. Review status: reviewed by expert panel. Criteria: McCormick et al. (Hum Mutat. 2020). Collection method: curation. Allele origin: germline. Inheritance: Mitochondrial inheritance.
Comment: The m.3271T>C variant in MT-TL1 gene has been reported in more than 40 affected individuals from 20 kindreds (PS4; PMIDs: 1932147, 8482977, 7993661, 8908402, 9766710, 9427220, 11404119, 11828557, 10214753, 12609508, 16006433, 15794182, 16353243, 18206799, 20972245, 25680467, 33951347). The age of onset ranged from early childhood to the late 30s. This variant has been seen in individuals with mitochondrial encephalomyopathy, lactic acidosis, and stroke-like episodes (MELAS; accounts for approximately 10% of cases of MELAS and is the second most common cause) as well as in one individual with myoclonic epilepsy with ragged red fibers (MERRF). Other features seen in affected individual include muscle weakness, exercise intolerance, fatigue, developmental delay, axonal neuropathy, dementia, migraines, seizures, diabetes, growth hormone deficiency, lipoma, sensorineural hearing loss, hypertrophic cardiomyopathy, Wolff-Parkinson-White arrhythmia, optic atrophy, and short stature. Muscle biopsies showed ragged red fibers, COX-negative fibers, paracrystalline inclusions, hypertrophic/atrophic fibers, enlarged mitochondria, abnormal cristae, increased fat droplets, and variable respiratory chain enzyme activities. Heteroplasmy levels were variable but were highest in muscle and urine, and levels were as high as homoplasmic in muscle. This variant segregated with disease in multiple affected members across several families and several healthy family members had lower levels of the variant (PP1_moderate; PMIDs: 9427220, 16006433, 15794182, 18206799, 25680467). There is one report of a de novo occurrence, however technology at the time could have missed low level variants and the tissue(s) tested was not specified (PMID: 11828557). This variant is absent in the GenBank dataset, Helix dataset, and gnomAD v3.1.2 (PM2_supporting). The computational predictor MitoTIP suggests this variant is pathogenic (78.3 percentile) and HmtVAR predicts it to be pathogenic score of 0.85 (PP3). Cybrid studies and other assays supported the functional impact of this variant (PS3_moderate; PMIDs: 12527767, 12729737, 15870203, 16120315, 10660592, 9744809, 7603512, 8280119). In summary, this variant meets criteria to be classified as pathogenic for primary mitochondrial disease inherited in a mitochondrial manner. This classification was approved by the NICHD/NINDS U24 ClinGen Mitochondrial Disease Variant Curation Expert Panel on April 25, 2023. Mitochondrial DNA-specific ACMG/AMP criteria applied (PMID: 32906214): PS4, PP1_moderate, PM2_supporting, PP3, PS3_moderate.

Variantyx, Inc.
Classification: Pathogenic for Primary mitochondrial disorders. Last evaluated: 2025-12-17. Review status: criteria provided, single submitter. Criteria: Variantyx Assertion Criteria 2022. Collection method: clinical testing. Allele origin: germline. Not counted in ClinVar's aggregate classification.
Comment: The m.3271T>C change is a variant in the MT-TL1 gene which encodes the mitochondrial transfer RNA for leucine. Pathogenic variants in this gene have been associated with primary mitochondrial disorders. This variant has been reported in several unrelated affected individuals (PMID: 1932147, 8482977, 33951347, 18206799, 16353243, 16006433, 12609508, 11828557, 9427220, 15794182) (PS4). This variant has been observed to segregate with disease in at least 12 individuals from 3 families, but unaffected family members may have lower to undetectable levels of the variant (PMID: 9427220, 15794182) (PP1_Moderate). Functional studies support a deleterious effect for this variant (PMID: 15870203, 16120315, 10660592) (PS3_Moderate), which is confirmed by computational algorithms that support a deleterious effect on the gene or gene product (Aggregate Predicted Severity Score: 1) (PP3). This variant is absent from control populations (PM2). Other reputable laboratories have reported this variant as pathogenic or likely pathogenic, and this classification has been validated by an expert panel in ClinVar (PP5). Based on the current evidence, this variant is classified as pathogenic for primary mitochondrial disorders.

Mendelics
Classification: Pathogenic for MELAS syndrome. Last evaluated: 2022-05-04. Review status: criteria provided, single submitter. Criteria: Mendelics Assertion Criteria 2019. Collection method: clinical testing. Allele origin: germline. Not counted in ClinVar's aggregate classification.

Wong Mito Lab, Molecular and Human Genetics, Baylor College of Medicine
Classification: Pathogenic for MELAS syndrome. Last evaluated: 2019-07-12. Review status: criteria provided, single submitter. Criteria: Modified ACMG Guidelines (Unpublished). Collection method: clinical testing. Allele origin: germline. Not counted in ClinVar's aggregate classification.
Comment: The NC_012920.1:m.3271T>C variant in MT-TL1 gene is interpreted to be a Pathogenic variant based on the modified ACMG guidelines (unpublished). This variant meets the following evidence codes reported in the guidelines: PS3, PS5, PM7

Fulgent Genetics
Classification: Pathogenic for MELAS syndrome; MERRF syndrome. Last evaluated: 2018-10-31. Review status: criteria provided, single submitter. Criteria: ACMG Guidelines, 2015. Collection method: clinical testing. Allele origin: unknown. Not counted in ClinVar's aggregate classification.

ARUP Laboratories, Molecular Genetics and Genomics, ARUP Laboratories
Classification: Pathogenic. Last evaluated: 2017-03-17. Review status: criteria provided, single submitter. Criteria: ARUP Molecular Germline Variant Investigation Process. Collection method: clinical testing. Allele origin: germline. Not counted in ClinVar's aggregate classification.

OMIM
Classification: Pathogenic for MELAS SYNDROME. Last evaluated: 2005-08-01. Review status: no assertion criteria provided. Collection method: literature only. Allele origin: germline. Not counted in ClinVar's aggregate classification.

GeneReviews
No classification provided. Condition: MELAS syndrome. Review status: no classification provided. Collection method: literature only. Allele origin: maternal. Not counted in ClinVar's aggregate classification.

Literature cited by the submitters: PubMed 8280119 (cited by 3 submitters); PubMed 12527767 (cited by ClinGen Mitochondrial Disease Nuclear and Mitochondrial  Variant Curation Expert Panel, ClinGen); PubMed 12729737 (cited by ClinGen Mitochondrial Disease Nuclear and Mitochondrial  Variant Curation Expert Panel, ClinGen); PubMed 9744809 (cited by ClinGen Mitochondrial Disease Nuclear and Mitochondrial  Variant Curation Expert Panel, ClinGen); PubMed 10660592 (cited by ClinGen Mitochondrial Disease Nuclear and Mitochondrial  Variant Curation Expert Panel, ClinGen); PubMed 7603512 (cited by ClinGen Mitochondrial Disease Nuclear and Mitochondrial  Variant Curation Expert Panel, ClinGen); PubMed 16120315 (cited by ClinGen Mitochondrial Disease Nuclear and Mitochondrial  Variant Curation Expert Panel, ClinGen); PubMed 15870203 (cited by ClinGen Mitochondrial Disease Nuclear and Mitochondrial  Variant Curation Expert Panel, ClinGen); PubMed 31965079 (cited by Wong Mito Lab, Molecular and Human Genetics, Baylor College of Medicine); PubMed 1932147 (cited by 3 submitters); PubMed 16006433 (cited by OMIM).